The following is an entry in ClinVar:

ClinVar aggregate classification (germline): Pathogenic (1 of 4 stars; one submission).

gnomAD v4.1: 2 of 1,614,214 alleles (0.00012%); highest among the groups gnomAD compares: East Asian, 0.0022%; no homozygotes.

Submission:

Labcorp Genetics (formerly Invitae), Labcorp
Classification: Pathogenic. Last evaluated: 2023-10-29. Review status: criteria provided, single submitter. Criteria: Invitae Variant Classification Sherloc (09022015). Collection method: clinical testing. Allele origin: germline.
Comment: This sequence change affects a donor splice site in intron 3 of the BCS1L gene. It is expected to disrupt RNA splicing. Variants that disrupt the donor or acceptor splice site typically lead to a loss of protein function (PMID: 16199547), and loss-of-function variants in BCS1L are known to be pathogenic (PMID: 12215968, 17314340, 19162478, 19508421, 22277166, 25895478). This variant is not present in population databases (gnomAD no frequency). Disruption of this splice site has been observed in individuals with GRACILE (growth retardation, aminoaciduria, cholestasis, iron overload, lactacidosis, and early death) syndrome and Björnstad syndrome (PMID: 12215968, 17314340). ClinVar contains an entry for this variant (Variation ID: 1458352). Algorithms developed to predict the effect of sequence changes on RNA splicing suggest that this variant may disrupt the consensus splice site. For these reasons, this variant has been classified as Pathogenic.

Literature cited by the submitters: PubMed 16199547; PubMed 12215968; PubMed 17314340; PubMed 19162478; PubMed 19508421; PubMed 22277166; PubMed 25895478.

NM_001079866.2(BCS1L):c.320+1G>A

Gene: BCS1L (BCS1 ubiquinol-cytochrome c reductase complex chaperone; plus strand). Cytogenetic location: 2q35.
Variant type: single nucleotide variant.
Coding change: c.320+1G>A on transcript NM_001079866.2 (MANE Select); the canonical splice donor site of the intron after coding-DNA position 320, G replaced by A.
Molecular consequence: splice donor variant. On other transcripts: intron variant (3).
Genome position (GRCh38, 1-based): chr2:218,661,308, G>A. VCF-style: chr2-218661308-G-A. GRCh37 (hg19) VCF-style: chr2-219526031-G-A.
Other names: c.320+1G>A (NM_001374085.1, NM_001371446.1, NM_001371450.1 and 10 more transcripts); c.-157+1G>A (NM_001374086.1, NM_001371454.1, NM_001371453.1 and 2 more transcripts); c.-40-98G>A (NM_001371451.1, NM_001318836.2); c.-41-451G>A (NM_001371452.1).
Identifiers: ClinVar variation 1458352 (VCV001458352.8), dbSNP rs386833856, ClinGen allele CA350626217.
Genomic context (GRCh38, chr2:218,661,308, plus strand): 5'-GAGTGGCCGCATTTCCACTAAGTTTGAATTTGTCCCCAGCCCTGGAAACCATTTTATCTG[G>A]TAAGGTGGGGAGCTAGGGAGGGCTGTGAGAGTAGAAAAGAATGATGGGAGCTGGGTTTGA-3'